The following is an entry in ClinVar:

NM_001370466.1(NOD2):c.1112C>A (p.Thr371Asn)

Gene: NOD2 (nucleotide binding oligomerization domain containing 2; plus strand). Cytogenetic location: 16q12.1.
Variant type: single nucleotide variant.
Coding change: c.1112C>A on transcript NM_001370466.1 (MANE Select); coding-DNA position 1112, C replaced by A.
Protein change: p.Thr371Asn; replaces threonine 371 with asparagine.
Molecular consequence: missense variant. On other transcripts: non-coding transcript variant (1).
Genome position (GRCh38, 1-based): chr16:50,711,104, C>A. VCF-style: chr16-50711104-C-A. GRCh37 (hg19) VCF-style: chr16-50745015-C-A.
Other names: c.1112C>A, p.Thr371Asn (NM_001293557.2); c.1193C>A, p.Thr398Asn (NM_022162.3); short protein forms T398N, T371N.
Identifiers: ClinVar variation 1953526 (VCV001953526.6), dbSNP rs1964461594, ClinGen allele CA395868420.

ClinVar aggregate classification (germline): Uncertain significance. Review status: criteria provided, multiple submitters, no conflicts (2 of 4 stars). 2 submissions from 2 submitters: Uncertain significance (2). Last evaluated 2026-06-17.

Conditions:
Regional enteritis. Also called: Enteritis, Granulomatous. Identifiers: MedGen C0678202, MeSH D003424.
Blau syndrome (BLAUS). Also called: ARTHROCUTANEOUVEAL GRANULOMATOSIS; GRANULOMATOSIS, FAMILIAL JUVENILE SYSTEMIC; GRANULOMATOSIS, FAMILIAL, BLAU TYPE; GRANULOMATOUS INFLAMMATORY ARTHRITIS, DERMATITIS, AND UVEITIS, FAMILIAL; JABS SYNDROME. Identifiers: Orphanet 90340, MedGen C5201146, MONDO:0008523, OMIM 186580.
Inborn genetic diseases. Identifiers: MedGen C0950123, MeSH D030342.

Submissions (2):

Ambry Genetics
Classification: Uncertain significance for Inborn genetic diseases. Last evaluated: 2026-06-17. Review status: criteria provided, single submitter. Criteria: Ambry Variant Classification Scheme 2023. Collection method: clinical testing. Allele origin: germline.

Labcorp Genetics (formerly Invitae), Labcorp
Classification: Uncertain significance for Regional enteritis; Blau syndrome. Last evaluated: 2022-08-07. Review status: criteria provided, single submitter. Criteria: Invitae Variant Classification Sherloc (09022015). Collection method: clinical testing. Allele origin: germline.
Comment: In summary, the available evidence is currently insufficient to determine the role of this variant in disease. Therefore, it has been classified as a Variant of Uncertain Significance. Advanced modeling of protein sequence and biophysical properties (such as structural, functional, and spatial information, amino acid conservation, physicochemical variation, residue mobility, and thermodynamic stability) performed at Invitae indicates that this missense variant is not expected to disrupt NOD2 protein function. This variant has not been reported in the literature in individuals affected with NOD2-related conditions. This variant is not present in population databases (gnomAD no frequency). This sequence change replaces threonine, which is neutral and polar, with asparagine, which is neutral and polar, at codon 398 of the NOD2 protein (p.Thr398Asn).